The following is an entry in ClinVar:

NM_018127.7(ELAC2):c.1098G>C (p.Gln366His)

Gene: ELAC2 (elaC ribonuclease Z 2; minus strand). Cytogenetic location: 17p12.
Variant type: single nucleotide variant.
Coding change: c.1098G>C on transcript NM_018127.7 (MANE Select); coding-DNA position 1098, G replaced by C.
Protein change: p.Gln366His; replaces glutamine 366 with histidine.
Molecular consequence: missense variant.
Genome position (GRCh38, 1-based): chr17:13,002,561, C>G on the plus strand (G>C on the coding strand, the complement: ELAC2 is on the minus strand). VCF-style: chr17-13002561-C-G. GRCh37 (hg19) VCF-style: chr17-12905878-C-G.
Other names: c.978G>C, p.Gln326His (NM_001165962.2); c.1098G>C, p.Gln366His (NM_173717.2); c.1098G>C (NM_018127.6); short protein forms Q326H, Q366H.
Identifiers: ClinVar variation 1005221 (VCV001005221.4), dbSNP rs373534638, ClinGen allele CA8401344.
Genomic context (GRCh38, chr17:13,002,561, plus strand): 5'-TTGAATCTTGTGGCTGCGAAGGTTGTGAACTGAGGCACAGTTCTCATTCAGGACCAAGTG[C>G]TGGGTGTCAGGCCCAAACCTGTGAAGAAACAGACCCGGCATTTGCAGCGTCTGTTAGGAG-3'
Protein context (NP_060597.4, residues 356-376): QWMERFGPDT[Gln366His]HLVLNENCAS

ClinVar aggregate classification (germline): Uncertain significance. Review status: criteria provided, multiple submitters, no conflicts (2 of 4 stars). 2 submissions from 2 submitters: Uncertain significance (2). Last evaluated 2026-04-13.

Conditions:
Combined oxidative phosphorylation defect type 17. Also called: Combined oxidative phosphorylation deficiency 17. Identifiers: Orphanet 369913, MedGen C3809526, MONDO:0014190, OMIM 615440.

Allele frequency attached by ClinVar (database versions not stated): gnomAD 0.00003 and 0.00004; TOPMed 0.00004; ESP Exome Variant Server 0.00008; ExAC 0.00004.

Submissions (2):

GeneDx
Classification: Uncertain significance. Last evaluated: 2026-04-13. Review status: criteria provided, single submitter. Criteria: GeneDx Variant Classification Process June 2021. Collection method: clinical testing. Allele origin: germline.
Comment: Not observed at significant frequency in large population cohorts (gnomAD); In silico analysis suggests that this missense variant does not alter protein structure/function; Has not been previously published as pathogenic or benign to our knowledge

Labcorp Genetics (formerly Invitae), Labcorp
Classification: Uncertain significance for Combined oxidative phosphorylation defect type 17. Last evaluated: 2025-11-10. Review status: criteria provided, single submitter. Criteria: Invitae Variant Classification Sherloc (09022015). Collection method: clinical testing. Allele origin: germline.
Comment: This sequence change replaces glutamine, which is neutral and polar, with histidine, which is basic and polar, at codon 366 of the ELAC2 protein (p.Gln366His). This variant is present in population databases (rs373534638, gnomAD 0.004%). This variant has not been reported in the literature in individuals affected with ELAC2-related conditions. ClinVar contains an entry for this variant (Variation ID: 1005221). Invitae Evidence Modeling of protein sequence and biophysical properties (such as structural, functional, and spatial information, amino acid conservation, physicochemical variation, residue mobility, and thermodynamic stability) indicates that this missense variant is not expected to disrupt ELAC2 protein function with a negative predictive value of 80%. In summary, the available evidence is currently insufficient to determine the role of this variant in disease. Therefore, it has been classified as a Variant of Uncertain Significance.